The following is an entry in ClinVar:

NM_001080453.3(INTS1):c.2207A>G (p.Lys736Arg)

Gene: INTS1 (integrator complex subunit 1; minus strand). Cytogenetic location: 7p22.3.
Variant type: single nucleotide variant.
Coding change: c.2207A>G on transcript NM_001080453.3 (MANE Select); coding-DNA position 2207, A replaced by G.
Protein change: p.Lys736Arg; replaces lysine 736 with arginine.
Molecular consequence: missense variant.
Genome position (GRCh38, 1-based): chr7:1,489,641, T>C on the plus strand (A>G on the coding strand, the complement: INTS1 is on the minus strand). VCF-style: chr7-1489641-T-C. GRCh37 (hg19) VCF-style: chr7-1529277-T-C.
Other names: short protein forms K736R.
Identifiers: ClinVar variation 3359629 (VCV003359629.1).

ClinVar aggregate classification (germline): Uncertain significance (1 of 4 stars; one submission).

gnomAD v4.1: 23 of 1,589,302 alleles (0.0014%); highest among the groups gnomAD compares: Non-Finnish European, 0.0017%; no homozygotes.

Submission:

GeneDx
Classification: Uncertain significance. Last evaluated: 2023-06-07. Review status: criteria provided, single submitter. Criteria: GeneDx Variant Classification Process June 2021. Collection method: clinical testing. Allele origin: germline. Affected: yes.
Comment: Not observed at significant frequency in large population cohorts (gnomAD); In silico analysis supports that this missense variant does not alter protein structure/function; Has not been previously published as pathogenic or benign to our knowledge